The following is an entry in ClinVar:

NM_006648.4(WNK2):c.5369G>A (p.Arg1790Gln)

Gene: WNK2 (WNK lysine deficient protein kinase 2; plus strand). Cytogenetic location: 9q22.31.
Variant type: single nucleotide variant.
Coding change: c.5369G>A on transcript NM_006648.4 (MANE Select); coding-DNA position 5369, G replaced by A.
Protein change: p.Arg1790Gln; replaces arginine 1790 with glutamine.
Molecular consequence: missense variant.
Genome position (GRCh38, 1-based): chr9:93,292,834, G>A. VCF-style: chr9-93292834-G-A. GRCh37 (hg19) VCF-style: chr9-96055116-G-A.
Other names: c.5480G>A, p.Arg1827Gln (NM_001282394.3); short protein forms R1790Q, R1827Q.
Identifiers: ClinVar variation 3817064 (VCV003817064.1).

ClinVar aggregate classification (germline): Uncertain significance (1 of 4 stars; one submission).

gnomAD v4.1: 6 of 1,503,784 alleles (0.0004%); highest among the groups gnomAD compares: South Asian, 0.0051%; no homozygotes.

Submission:

Ambry Genetics
Classification: Uncertain significance. Last evaluated: 2025-02-12. Review status: criteria provided, single submitter. Criteria: Ambry Variant Classification Scheme 2023. Collection method: clinical testing. Allele origin: germline.
Comment: The p.R1790Q variant (also known as c.5369G>A), located in coding exon 22 of the WNK2 gene, results from a G to A substitution at nucleotide position 5369. The arginine at codon 1790 is replaced by glutamine, an amino acid with highly similar properties. This amino acid position is conserved. In addition, the in silico prediction for this alteration is inconclusive. Based on the available evidence, the clinical significance of this variant remains unclear.